The following is an entry in ClinVar:

NM_016341.4(PLCE1):c.5518T>G (p.Leu1840Val)

Gene: PLCE1 (phospholipase C epsilon 1; plus strand). Cytogenetic location: 10q23.33.
Variant type: single nucleotide variant.
Coding change: c.5518T>G on transcript NM_016341.4 (MANE Select); coding-DNA position 5518, T replaced by G.
Protein change: p.Leu1840Val; replaces leucine 1840 with valine.
Molecular consequence: missense variant.
Genome position (GRCh38, 1-based): chr10:94,304,541, T>G. VCF-style: chr10-94304541-T-G. GRCh37 (hg19) VCF-style: chr10-96064298-T-G.
Other names: c.4594T>G, p.Leu1532Val (NM_001165979.2); c.5470T>G, p.Leu1824Val (NM_001288989.2); short protein forms L1532V, L1824V, L1840V.
Identifiers: ClinVar variation 1676244 (VCV001676244.2), dbSNP rs2133612518, ClinGen allele CA377642896.

ClinVar aggregate classification (germline): Uncertain significance (1 of 4 stars; one submission).

Conditions:
Nephrotic syndrome, type 3 (NPHS3). Also called: NEPHROTIC SYNDROME, EARLY-ONSET, TYPE 3. Identifiers: Orphanet 656, MedGen C1853124, MONDO:0012546, OMIM 610725.

Submission:

Molecular Genetics, Royal Melbourne Hospital
Classification: Uncertain significance for Nephrotic syndrome, type 3. Last evaluated: 2023-03-30. Review status: criteria provided, single submitter. Criteria: ACMG Guidelines, 2015. Collection method: clinical testing. Allele origin: germline.
Comment: This sequence change is predicted to replace leucine with valine at codon 1840 of the PLCE1 protein (p.(Leu1840Val)). The leucine residue is evolutionarily conserved (100 vertebrates, UCSC), and is located in the phosphatidylinositol-specific phospholipase C Y domain. There is a small physicochemical difference between leucine and valine. The variant is absent in a large population cohort (gnomAD v2.1 and v3.1), and has not been reported in the relevant medical literature or databases. Multiple lines of computational evidence have conflicting predictions for the missense substitution (4/6 algorithms predict deleterious). Based on the classification scheme RMH Modified ACMG Guidelines v1.4.0, this variant is classified as a VARIANT OF UNCERTAIN SIGNIFICANCE. Following criteria are met: PM2_Supporting.